The following is an entry in ClinVar:

ClinVar aggregate classification (germline): Benign/Likely benign. Review status: criteria provided, multiple submitters, no conflicts (2 of 4 stars). 3 submissions from 3 submitters: Benign (2); Likely benign (1). Last evaluated 2026-01-30.

Conditions:
Agammaglobulinemia 4, autosomal recessive (AGM4). Also called: B cell linker protein deficiency; AGAMMAGLOBULINEMIA, AUTOSOMAL RECESSIVE, DUE TO BLNK DEFECT. Identifiers: MedGen C3150752, MONDO:0013289, OMIM 613502.

Allele frequency attached by ClinVar (database versions not stated): gnomAD exomes 0.00175; ExAC 0.00215; TOPMed 0.00667; 1000 Genomes Project 0.00839; ESP Exome Variant Server 0.00915; 1000 Genomes Project 30x 0.00953.
gnomAD v4.1: 2,032 of 1,614,202 alleles (0.13%); highest among the groups gnomAD compares: African/African-American, 2.2%; 21 homozygotes.

Submissions (3):

Women's Health and Genetics/Laboratory Corporation of America, LabCorp
Classification: Likely benign. Last evaluated: 2026-01-30. Review status: criteria provided, single submitter. Criteria: LabCorp Variant Classification Summary - May 2015. Collection method: clinical testing. Allele origin: germline.
Comment: Variant summary: BLNK c.262G>A (p.Ala88Thr) results in a non-conservative amino acid change in the encoded protein sequence. Algorithms developed to predict the effect of missense changes on protein structure and function are either unavailable or do not agree on the potential impact of this missense change. The variant allele was found at a frequency of 0.0017 in 251412 control chromosomes, predominantly at a frequency of 0.022 within the African or African-American subpopulation in the gnomAD database, including 4 homozygotes. The observed variant frequency within African or African-American control individuals in the gnomAD database exceeds the estimated maximal expected allele frequency for disease-causing variants in BLNK. To our knowledge, no occurrence of c.262G>A in individuals affected with BLNK-related conditions and no experimental evidence demonstrating its impact on protein function have been reported. ClinVar contains an entry for this variant (Variation ID: 487218). Based on the evidence outlined above, the variant was classified as likely benign.

Labcorp Genetics (formerly Invitae), Labcorp
Classification: Benign for Agammaglobulinemia 4, autosomal recessive. Last evaluated: 2026-01-28. Review status: criteria provided, single submitter. Criteria: Invitae Variant Classification Sherloc (09022015). Collection method: clinical testing. Allele origin: germline.

Breakthrough Genomics
Classification: Benign. Review status: criteria provided, single submitter. Criteria: ACMG Guidelines, 2015. Collection method: not provided. Allele origin: germline. Inheritance: Autosomal recessive inheritance. Affected: yes.

NM_013314.4(BLNK):c.262G>A (p.Ala88Thr)

Gene: BLNK (B cell linker; minus strand). Cytogenetic location: 10q24.1.
Variant type: single nucleotide variant.
Coding change: c.262G>A on transcript NM_013314.4 (MANE Select); coding-DNA position 262, G replaced by A.
Protein change: p.Ala88Thr; replaces alanine 88 with threonine.
Molecular consequence: missense variant. On other transcripts: non-coding transcript variant (4).
Genome position (GRCh38, 1-based): chr10:96,227,509, C>T on the plus strand (G>A on the coding strand, the complement: BLNK is on the minus strand). VCF-style: chr10-96227509-C-T. GRCh37 (hg19) VCF-style: chr10-97987265-C-T.
Other names: c.262G>A, p.Ala88Thr (NM_001114094.2, NM_001258440.2, NM_001258441.2 and 1 more transcripts); short protein forms A88T.
Identifiers: ClinVar variation 487218 (VCV000487218.14), dbSNP rs144903484, ClinGen allele CA5623525.